The following is an entry in ClinVar:

NM_000059.4(BRCA2):c.2T>G (p.Met1Arg)

Gene: BRCA2 (BRCA2 DNA repair associated; plus strand). Cytogenetic location: 13q13.1.
Variant type: single nucleotide variant.
Coding change: c.2T>G on transcript NM_000059.4 (MANE Select); coding-DNA position 2, T replaced by G.
Protein change: p.Met1Arg; changes the start codon (methionine 1).
Molecular consequence: missense variant, initiator codon variant.
Genome position (GRCh38, 1-based): chr13:32,316,462, T>G. VCF-style: chr13-32316462-T-G. GRCh37 (hg19) VCF-style: chr13-32890599-T-G.
Other names: short protein forms M1R.
Identifiers: ClinVar variation 51385 (VCV000051385.83), dbSNP rs80358547, ClinGen allele CA017013.

ClinVar aggregate classification (germline): Pathogenic. Review status: criteria provided, multiple submitters, no conflicts (2 of 4 stars). 10 submissions from 10 submitters: Pathogenic (9). 1 of the submissions does not count toward it. Last evaluated 2025-10-20.

Conditions:
Hereditary cancer-predisposing syndrome. Also called: Neoplastic Syndromes, Hereditary; Hereditary neoplastic syndrome; Hereditary Cancer Syndrome; Tumor predisposition. Identifiers: Orphanet 140162, MedGen C0027672, MeSH D009386, MONDO:0015356.
Hereditary breast ovarian cancer syndrome. Also called: Breast and ovarian cancer; BRCA1- and BRCA2-Associated Hereditary Breast and Ovarian Cancer; Hereditary breast and ovarian cancer syndrome (HBOC); Hereditary breast and/or ovarian cancer syndrome; Hereditary breast and ovarian cancer; Hereditary breast and ovarian cancer syndrome. Identifiers: Orphanet 145, MedGen C0677776, MeSH D061325, MONDO:0003582. Disease mechanism: loss of function.
Breast-ovarian cancer, familial, susceptibility to, 2 (BROVCA2). Also called: BRCA2 Hereditary Breast and Ovarian Cancer. Identifiers: Orphanet 145, MedGen C2675520, MONDO:0012933, OMIM 612555. Disease mechanism: loss of function.

Allele frequency attached by ClinVar (database versions not stated): gnomAD exomes 0.00001 and below 0.00001; ExAC 0.00001.

Submissions (10):

Ambry Genetics
Classification: Pathogenic for Hereditary cancer-predisposing syndrome. Last evaluated: 2025-10-20. Review status: criteria provided, single submitter. Criteria: Ambry Variant Classification Scheme 2023. Collection method: clinical testing. Allele origin: germline.
Comment: The p.M1? pathogenic mutation (also known as c.2T>G) is located in coding exon 1 of the BRCA2 gene and results from a T to G substitution at nucleotide position 2. This alters the methionine residue at the initiation codon (ATG). Sequence variations that modify the initiation codon are expected to result in either loss of translation initiation, N-terminal truncation, or cause a shift in the mRNA reading frame. Based on the supporting evidence, this variant is interpreted as a disease-causing mutation.

Labcorp Genetics (formerly Invitae), Labcorp
Classification: Pathogenic for Hereditary breast ovarian cancer syndrome. Last evaluated: 2025-01-11. Review status: criteria provided, single submitter. Criteria: Invitae Variant Classification Sherloc (09022015). Collection method: clinical testing. Allele origin: germline.
Comment: This sequence change affects the initiator methionine of the BRCA2 mRNA. The next in-frame methionine is located at codon 124. This variant is present in population databases (rs80358547, gnomAD 0.006%). Disruption of the initiator codon has been observed in individual(s) with hereditary breast and/or ovarian cancer (PMID: 24607278, 24916970). It has also been observed to segregate with disease in related individuals. ClinVar contains an entry for this variant (Variation ID: 51385). This variant disrupts a region of the BRCA2 protein in which other variant(s) (p.Trp31Cys) have been determined to be pathogenic (PMID: 22678057; internal data). This suggests that this is a clinically significant region of the protein, and that variants that disrupt it are likely to be disease-causing. For these reasons, this variant has been classified as Pathogenic.

Quest Diagnostics Nichols Institute San Juan Capistrano
Classification: Pathogenic. Last evaluated: 2023-05-16. Review status: criteria provided, single submitter. Criteria: Quest Diagnostics criteria. Collection method: clinical testing. Allele origin: unknown.
Comment: The BRCA2 c.2T>G variant disrupts the translation initiation codon of the BRCA2 mRNA and is predicted to interfere with BRCA2 protein synthesis. This variant has been reported in the published literature in multiple families affected with breast and/or ovarian cancer (PMID: 24916970 (2015), 29084914 (2018), 29446198 (2018), 30535581 (2019), and 35353237 (2022)). It is predicted to be damaging to protein function (PMID: 24607278 (2014)). The frequency of this variant in the general population, 0.000008 (2/251342 chromosomes (Genome Aggregation Database)), is consistent with pathogenicity. Based on the available information, this variant is classified as pathogenic.

All of Us Research Program, National Institutes of Health
Classification: Pathogenic for Breast-ovarian cancer, familial, susceptibility to, 2. Last evaluated: 2023-04-24. Review status: criteria provided, single submitter. Criteria: ACMG Guidelines, 2015. Collection method: clinical testing. Allele origin: germline. Inheritance: Autosomal dominant inheritance. Observed: 1 variant allele, 1 heterozygote.
Comment: This variant disrupts the translation initiation codon of the BRCA2 protein and is expected to result in an absent or non-functional protein product. The next in-frame methionine is located at codon 124, but it is not known if a functional BRCA2 protein product can be produced using p.Met124 as an alternative translation start site. This variant has been reported in several individuals affected with breast and/or ovarian cancer (PMID: 24607278, 24916970, 27553368, 29084914, 30535581, 31263500, 33008098). This variant has been identified in 2/251342 chromosomes in the general population by the Genome Aggregation Database (gnomAD). Loss of BRCA2 function is a known mechanism of disease. Based on the available evidence, this variant is classified as Pathogenic.

This study involves interpretation of variants in research participants for the purpose of population health screening. Participant phenotype was not available at the time of variant classification. Additional details can be found in publication PMID: 35346344, PMCID: PMC8962531

Women's Health and Genetics/Laboratory Corporation of America, LabCorp
Classification: Pathogenic for Hereditary breast ovarian cancer syndrome. Last evaluated: 2023-02-06. Review status: criteria provided, single submitter. Criteria: LabCorp Variant Classification Summary - May 2015. Collection method: clinical testing. Allele origin: germline.
Comment: Variant summary: BRCA2 c.2T>G (p.Met1Arg) alters the initiation codon and is predicted to result either in absence of the protein or truncation of the encoded protein due to translation initiation at a downstream codon. Four of four in-silico tools predict a damaging effect of the variant on protein function. RT-PCR analysis showed the variant to result in no aberrant splicing (Santos_2014). However, this variant abolishes the normal initiation codon of the BRCA2 protein and the next ATG is in exon 4. This might lead to an out-of-frame protein lacking important domains for transactivation and phosphorylation of BRCA2 (Santos_2014). The variant allele was found at a frequency of 8e-06 in 251342 control chromosomes (gnomAD). c.2T>G has been reported in the literature in multiple individuals affected with Hereditary Breast and Ovarian Cancer (e.g. Fernandes_2016, Labidi-Galy_2017, Rebbeck_2018, Cipriano_2019, Felix_2022), however in one family the variant was absent in one affected individual, indicating a lack of segregation (Santos_2014). Overall, these data indicate that the variant is very likely to be associated with disease. Seven clinical diagnostic laboratories have submitted clinical-significance assessments for this variant to ClinVar after 2014 without evidence for independent evaluation. All laboratories classified the variant as pathogenic. Based on the evidence outlined above, the variant was classified as pathogenic.

Color Diagnostics, LLC DBA Color Health
Classification: Pathogenic for Hereditary cancer-predisposing syndrome. Last evaluated: 2022-11-08. Review status: criteria provided, single submitter. Criteria: ACMG Guidelines, 2015. Collection method: clinical testing. Allele origin: germline.
Comment: This variant disrupts the translation initiation codon of the BRCA2 protein and is expected to result in an absent or non-functional protein product. The next in-frame methionine is located at codon 124, but it is not known if a functional BRCA2 protein product can be produced using p.Met124 as an alternative translation start site. This variant has been reported in several individuals affected with breast and/or ovarian cancer (PMID: 24607278, 24916970, 27553368, 29084914, 30535581, 31263500, 33008098). This variant has been identified in 2/251342 chromosomes in the general population by the Genome Aggregation Database (gnomAD). Loss of BRCA2 function is a known mechanism of disease. Based on the available evidence, this variant is classified as Pathogenic.

Genetics Program, Instituto Nacional de Cancer
Classification: Pathogenic for Hereditary breast ovarian cancer syndrome. Last evaluated: 2021-11-01. Review status: criteria provided, single submitter. Criteria: ACMG Guidelines, 2015. Collection method: research. Allele origin: germline. Affected: yes.

Mendelics
Classification: Pathogenic for Hereditary breast and ovarian cancer syndrome. Last evaluated: 2018-07-02. Review status: criteria provided, single submitter. Criteria: Mendelics Assertion Criteria 2017. Collection method: clinical testing. Allele origin: unknown.

Consortium of Investigators of Modifiers of BRCA1/2 (CIMBA), c/o University of Cambridge
Classification: Pathogenic for Breast-ovarian cancer, familial, susceptibility to, 2. Last evaluated: 2015-10-02. Review status: criteria provided, single submitter. Criteria: CIMBA Mutation Classification guidelines May 2016. Collection method: clinical testing. Allele origin: germline.

Breast Cancer Information Core (BIC) (BRCA2)
Classification: Pathogenic for Breast-ovarian cancer, familial 2. Last evaluated: 2004-02-20. Review status: no assertion criteria provided. Collection method: clinical testing. Allele origin: germline, unknown. Affected: yes. Observed: 2 variant alleles. Not counted in ClinVar's aggregate classification.

Literature cited by the submitters: PubMed 24607278 (cited by 6 submitters); PubMed 24916970 (cited by 5 submitters); PubMed 29084914 (cited by 5 submitters); PubMed 29446198 (cited by 3 submitters); PubMed 22678057 (cited by Labcorp Genetics (formerly Invitae), Labcorp); PubMed 30535581 (cited by 4 submitters); PubMed 35353237 (cited by Quest Diagnostics Nichols Institute San Juan Capistrano and Women's Health and Genetics/Laboratory Corporation of America, LabCorp); PubMed 27553368 (cited by All of Us Research Program, National Institutes of Health and Color Diagnostics, LLC DBA Color Health); PubMed 31263500 (cited by All of Us Research Program, National Institutes of Health and Color Diagnostics, LLC DBA Color Health); PubMed 33008098 (cited by All of Us Research Program, National Institutes of Health and Color Diagnostics, LLC DBA Color Health); PubMed 27741520 (cited by Women's Health and Genetics/Laboratory Corporation of America, LabCorp); PubMed 36329109 (cited by Genetics Program, Instituto Nacional de Cancer).